The following is an entry in ClinVar:

NM_001377137.1(GBF1):c.1480T>C (p.Phe494Leu)

Gene: GBF1 (golgi brefeldin A resistant guanine nucleotide exchange factor 1; plus strand). Cytogenetic location: 10q24.32.
Variant type: single nucleotide variant.
Coding change: c.1480T>C on transcript NM_001377137.1 (MANE Select); coding-DNA position 1480, T replaced by C.
Protein change: p.Phe494Leu; replaces phenylalanine 494 with leucine.
Molecular consequence: missense variant. On other transcripts: non-coding transcript variant (5), intron variant (2).
Genome position (GRCh38, 1-based): chr10:102,361,109, T>C. VCF-style: chr10-102361109-T-C. GRCh37 (hg19) VCF-style: chr10-104120866-T-C.
Other names: c.1477T>C, p.Phe493Leu (NM_001391924.1, NM_001391925.1, NM_001391927.1 and 7 more transcripts); c.1480T>C, p.Phe494Leu (NM_001391926.1, NM_001199378.2, NM_001391923.1); c.1099T>C, p.Phe367Leu (NM_001391931.1); c.1552T>C, p.Phe518Leu (NM_001411003.1); c.1576T>C, p.Phe526Leu (NM_001411027.1, NM_001391922.1); c.1389+714T>C (NM_001377139.1, NM_001377140.1); short protein forms F367L, F493L, F494L, F518L, F526L.
Identifiers: ClinVar variation 4882503 (VCV004882503.2).

ClinVar aggregate classification (germline): Uncertain significance (1 of 4 stars; one submission).

gnomAD v4.1: 1 of 1,570,880 alleles (0.000064%); highest among the groups gnomAD compares: Non-Finnish European, 0.000088%; no homozygotes.

Submission:

Dasa
Classification: Uncertain significance. Last evaluated: 2024-10-15. Review status: criteria provided, single submitter. Criteria: DASA Assertion Criteria. Collection method: clinical testing. Allele origin: germline.
Comment: NM_001377137.1(GBF1):c.1480T>C (p.Phe494Leu) is a missense variant that results in the substitution of phenylalanine with leucine. This variant is rare in population databases. Computational prediction algorithms are consistent with a benign effect. The currently available literature and clinical evidence are not sufficient to establish a definitive association between this variant and the reported condition. Therefore, this variant is classified as a variant of uncertain significance.